The following is an entry in ClinVar:

NM_000492.4(CFTR):c.3289C>T (p.Arg1097Cys)

Genes: CFTR (CF transmembrane conductance regulator; plus strand), CFTR-AS2 (CFTR antisense RNA 2; minus strand), LOC111674472 (DNase I hypersensitive sites in introns 16 and 17a of CFTR; plus strand). Cytogenetic location: 7q31.2.
Variant type: single nucleotide variant.
Coding change: c.3289C>T on transcript NM_000492.4 (MANE Select); coding-DNA position 3289, C replaced by T.
Protein change: p.Arg1097Cys; replaces arginine 1097 with cysteine.
Molecular consequence: missense variant.
Genome position (GRCh38, 1-based): chr7:117,611,730, C>T. VCF-style: chr7-117611730-C-T. GRCh37 (hg19) VCF-style: chr7-117251784-C-T.
Other names: short protein forms R1097C.
Identifiers: ClinVar variation 574132 (VCV000574132.26), dbSNP rs201591901, ClinGen allele CA4451418.
Genomic context (GRCh38, chr7:117,611,730, plus strand): 5'-CTGTTCCACAAAGCTCTGAATTTACATACTGCCAACTGGTTCTTGTACCTGTCAACACTG[C>T]GCTGGTTCCAAATGAGAATAGAAATGATTTTTGTCATCTTCTTCATTGCTGTTACCTTCA-3'
Protein context (NP_000483.3, residues 1087-1107): ANWFLYLSTL[Arg1097Cys]WFQMRIEMIF

ClinVar aggregate classification (germline): Conflicting classifications of pathogenicity. Review status: criteria provided, conflicting classifications (1 of 4 stars). 10 submissions from 10 submitters: Uncertain significance (7); Likely benign (1). 2 of the submissions do not count toward it. Last evaluated 2026-02-03.

Conditions:
Hereditary pancreatitis (PCTT). Also called: Hereditary chronic pancreatitis; PRSS1-Related Hereditary Pancreatitis. Identifiers: Orphanet 676, MedGen C0238339, MONDO:0008185, OMIM 167800.
Congenital bilateral aplasia of vas deferens from CFTR mutation (CBAVD). Identifiers: Orphanet 48, MedGen C0403814, MONDO:0010178, OMIM 277180. Disease mechanism: loss of function.
Cystic fibrosis (CF). Also called: MUCOVISCIDOSIS. Identifiers: Orphanet 586, MedGen C0010674, MONDO:0009061, OMIM 219700. Disease mechanism: loss of function.
Bronchiectasis with or without elevated sweat chloride 1 (BESC1). Also called: Cystic Fibrosis-Like Syndrome. Identifiers: Orphanet 60033, MedGen C2749757, MONDO:0008887, OMIM 211400.
CFTR-related disorder (CFTR-RD). Also called: CFTR-related disorders; CFTR-related condition. Identifiers: MedGen C5924204, MONDO:7770004.

Allele frequency attached by ClinVar (database versions not stated): ExAC 0.00018; 1000 Genomes Project 0.00020; gnomAD exomes 0.00027; gnomAD 0.00006 and 0.00009; TOPMed 0.00009; 1000 Genomes Project 30x 0.00016.
gnomAD v4.1: 99 of 1,613,452 alleles (0.0061%); highest among the groups gnomAD compares: East Asian, 0.18%; 1 homozygote.

Submissions (10):

Labcorp Genetics (formerly Invitae), Labcorp
Classification: Likely benign for Cystic fibrosis. Last evaluated: 2026-02-03. Review status: criteria provided, single submitter. Criteria: Invitae Variant Classification Sherloc (09022015). Collection method: clinical testing. Allele origin: germline.

3billion
Classification: Uncertain significance for Congenital bilateral aplasia of vas deferens from CFTR mutation. Last evaluated: 2025-10-01. Review status: criteria provided, single submitter. Criteria: ACMG Guidelines, 2015. Collection method: clinical testing. Allele origin: germline. Affected: yes.
Comment: The variant is observed at an extremely low frequency in the gnomAD v4.1.0 dataset (total allele frequency: 0.006%). Predicted Consequence/Location: Missense variant In silico tool predictions suggest damaging effect of the variant on gene or gene product [REVEL: 0.82 (>=0.6, sensitivity 0.68 and specificity 0.92); 3Cnet: 0.99 (> 0.75, sensitivity 0.96 and precision 0.92)]. The variant has been reported as of uncertain significance (ClinVar ID: VCV000574132; PMID: 30366773; 3billion dataset). Different missense changes at the same codon have been reported as of uncertain significance (ClinVar ID: VCV002856759, VCV003491648, VCV003491596). Therefore, this variant is classified as VUS according to the recommendation of ACMG/AMP guideline.

GeneDx
Classification: Uncertain significance. Last evaluated: 2025-06-26. Review status: criteria provided, single submitter. Criteria: GeneDx Variant Classification Process June 2021. Collection method: clinical testing. Allele origin: germline.
Comment: Observed in individuals with bronchiectasis, congenital absence of the vas deferens, or recurrent intrahepatic cholestasis, some of whom also harbored additional CFTR variants, but segregation data was absent for these individuals (PMID: 32777524, 29997923, 30366773); In silico analysis supports that this missense variant has a deleterious effect on protein structure/function; This variant is associated with the following publications: (PMID: 29997923, 30366773, 35313924, 31377750, 32734384, 40044664, 37327085, 32777524)

Ambry Genetics
Classification: Uncertain significance for Cystic fibrosis. Last evaluated: 2025-03-08. Review status: criteria provided, single submitter. Criteria: Ambry Variant Classification Scheme 2023. Collection method: clinical testing. Allele origin: germline.
Comment: The p.R1097C variant (also known as c.3289C>T), located in coding exon 20 of the CFTR gene, results from a C to T substitution at nucleotide position 3289. The arginine at codon 1097 is replaced by cysteine, an amino acid with highly dissimilar properties. This variant was reported in a Chinese bronchiectasis cohort in one individual who had an additional CFTR variant detected (phase not described) and a SCCN1B variant detected, and it was also reported in one control individual (Guan WJ et al. J Thorac Dis, 2018 May;10:2618-2630). This variant was also detected in a recurrent intrahepatic cholestasis case who had an additional CFTR variant detected, where phase was not described (Chen HL et al. J. Pediatr., 2019 02;205:153-159.e6). Finally, this variant was described in a nonobstructive azoospermia cohort; however, clinical details were not provided (Liu X et al. Med. Sci. Monit., 2019 Aug;25:5801-5812). This amino acid position is highly conserved in available vertebrate species. In addition, this alteration is predicted to be deleterious by in silico analysis. Since supporting evidence is limited at this time, the clinical significance of this alteration remains unclear.

Blueprint Genetics
Classification: Uncertain significance. Last evaluated: 2024-09-17. Review status: criteria provided, single submitter. Criteria: ACMG Guidelines, 2015. Collection method: clinical testing. Allele origin: germline.

Department of Pathology and Laboratory Medicine, Sinai Health System
Classification: Uncertain significance for cystic fibrosis. Last evaluated: 2022-10-17. Review status: criteria provided, single submitter. Criteria: ACMG Guidelines, 2015. Collection method: research. Allele origin: germline.

Quest Diagnostics Nichols Institute San Juan Capistrano
Classification: Uncertain significance. Last evaluated: 2018-11-29. Review status: criteria provided, single submitter. Criteria: Quest Diagnostics criteria. Collection method: clinical testing. Allele origin: germline.

Juno Genomics, Hangzhou Juno Genomics, Inc
Classification: Uncertain significance for Bronchiectasis with or without elevated sweat chloride 1; Hereditary pancreatitis; Congenital bilateral aplasia of vas deferens from CFTR mutation; Cystic fibrosis. Review status: criteria provided, single submitter. Criteria: ACMG Guidelines, 2015. Collection method: clinical testing. Allele origin: germline.
Comment: Absent from controls (or at extremely low frequency if recessive) in Genome Aggregation Database.;Multiple lines of computational evidence support a deleterious effect on the gene or gene product.

PreventionGenetics, part of Exact Sciences
Classification: Uncertain significance for CFTR-related condition. Last evaluated: 2024-06-17. Review status: no assertion criteria provided. Collection method: clinical testing. Allele origin: germline. Not counted in ClinVar's aggregate classification.
Comment: The CFTR c.3289C>T variant is predicted to result in the amino acid substitution p.Arg1097Cys. This variant was reported in individuals with recurrent intrahepatic cholestasis and congenital absence of the vas deferens (Chen et al. 2019. PubMed ID: 30366773; Luo et al. 2020. PubMed ID: 32777524). This variant is reported in 0.37% of alleles in individuals of East Asian descent in gnomAD. Although we suspect that this variant may be benign, at this time, the clinical significance of this variant is uncertain due to the absence of conclusive functional and genetic evidence.

Natera, Inc.
Classification: Uncertain significance for Cystic Fibrosis. Last evaluated: 2018-05-10. Review status: no assertion criteria provided. Collection method: clinical testing. Allele origin: germline. Not counted in ClinVar's aggregate classification.

Literature cited by the submitters: PubMed 26199320 (cited by Ambry Genetics); PubMed 29997923 (cited by Ambry Genetics and Quest Diagnostics Nichols Institute San Juan Capistrano); PubMed 30366773 (cited by Ambry Genetics and Quest Diagnostics Nichols Institute San Juan Capistrano); PubMed 31377750 (cited by Ambry Genetics).